The following is an entry in ClinVar:

ClinVar aggregate classification (germline): Uncertain significance (1 of 4 stars; one submission).

Conditions:
Inborn genetic diseases. Identifiers: MedGen C0950123, MeSH D030342.

Allele frequency attached by ClinVar (database versions not stated): ExAC 0.00001; gnomAD 0.00001; TOPMed 0.00001.
gnomAD v4.1: 2 of 1,613,802 alleles (0.00012%); highest among the groups gnomAD compares: African/African-American, 0.0027%; no homozygotes.

Submission:

Ambry Genetics
Classification: Uncertain significance for Inborn genetic diseases. Last evaluated: 2022-03-17. Review status: criteria provided, single submitter. Criteria: Ambry Variant Classification Scheme 2023. Collection method: clinical testing. Allele origin: germline.
Comment: The p.D753H variant (also known as c.2257G>C), located in coding exon 8 of the SETX gene, results from a G to C substitution at nucleotide position 2257. The aspartic acid at codon 753 is replaced by histidine, an amino acid with similar properties. This amino acid position is conserved. In addition, this alteration is predicted to be tolerated by in silico analysis. Since supporting evidence is limited at this time, the clinical significance of this alteration remains unclear.

NM_015046.7(SETX):c.2257G>C (p.Asp753His)

Gene: SETX (senataxin; minus strand). Cytogenetic location: 9q34.13.
Variant type: single nucleotide variant.
Coding change: c.2257G>C on transcript NM_015046.7 (MANE Select); coding-DNA position 2257, G replaced by C.
Protein change: p.Asp753His; replaces aspartic acid 753 with histidine.
Molecular consequence: missense variant.
Genome position (GRCh38, 1-based): chr9:132,329,341, C>G on the plus strand (G>C on the coding strand, the complement: SETX is on the minus strand). VCF-style: chr9-132329341-C-G. GRCh37 (hg19) VCF-style: chr9-135204728-C-G.
Other names: c.2257G>C, p.Asp753His (NM_001351527.2, NM_001351528.2); short protein forms D753H.
Identifiers: ClinVar variation 1788540 (VCV001788540.2), dbSNP rs781779684, ClinGen allele CA5297636.
Genomic context (GRCh38, chr9:132,329,341, plus strand): 5'-CAAGAGCATCATCCTTTAAAGAGAAATCTTCATTCGATGTGGACACTTTTTCCAAAGCAT[C>G]AGTGCTAGAATCAGTCAACAAACGTGTTGATACTATTATTCCTCTGTCACATCCCCTTTC-3'
Protein context (NP_055861.3, residues 743-763): STRLLTDSST[Asp753His]ALEKVSTSNE